The following is an entry in ClinVar:

ClinVar aggregate classification (germline): Likely pathogenic (1 of 4 stars; one submission).

Conditions:
Familial thoracic aortic aneurysm and aortic dissection (TAAD). Also called: Thoracic aortic aneurysms and dissections. Identifiers: Orphanet 91387, MedGen C4707243, MONDO:0019625.
Marfan syndrome (MFS). Also called: FBN1-Related Marfan Syndrome; Marfan syndrome type 1; Marfan's syndrome; Marfan syndrome, classic; MARFAN SYNDROME, TYPE I. Identifiers: Orphanet 284963, Orphanet 558, MedGen C0024796, MONDO:0007947, OMIM 154700.

Submission:

Labcorp Genetics (formerly Invitae), Labcorp
Classification: Likely pathogenic for Marfan syndrome; Thoracic aortic aneurysm and aortic dissection. Last evaluated: 2018-06-09. Review status: criteria provided, single submitter. Criteria: Invitae Variant Classification Sherloc (09022015). Collection method: clinical testing. Allele origin: germline.
Comment: This variant results in a copy number gain of the genomic region encompassing exons 3-6 of the FBN1 gene. While the exact position of this variant cannot be determined from this data, sub-genic copy number gains are generally in tandem (PMID: 25640679) and may result in an absent or disrupted protein product. This variant has not been reported in the literature in individuals with FBN1-related disease. Loss-of-function variants in FBN1 are known to be pathogenic (PMID: 17657824, 19293843). In summary, the currently available evidence indicates that the variant is pathogenic, but additional data are needed to prove that conclusively. Therefore, this variant has been classified as Likely Pathogenic.

NC_000015.9:g.(?_48888460)_(48905309_?)dup

Gene: FBN1 (fibrillin 1; minus strand). Cytogenetic location: 15q21.1.
Variant type: Duplication.
Identifiers: ClinVar variation 584002 (VCV000584002.1).